The following is an entry in ClinVar:

ClinVar aggregate classification (germline): Uncertain significance (1 of 4 stars; one submission).

Conditions:
Cowden syndrome 6 (CWS6). Identifiers: Orphanet 201, MedGen C3554519, MONDO:0014048, OMIM 615109.

Allele frequency attached by ClinVar (database versions not stated): TOPMed 0.00001.

Submission:

Labcorp Genetics (formerly Invitae), Labcorp
Classification: Uncertain significance for Cowden syndrome 6. Last evaluated: 2018-12-18. Review status: criteria provided, single submitter. Criteria: Invitae Variant Classification Sherloc (09022015). Collection method: clinical testing. Allele origin: germline.
Comment: In summary, the available evidence is currently insufficient to determine the role of this variant in disease. Therefore, it has been classified as a Variant of Uncertain Significance. Algorithms developed to predict the effect of missense changes on protein structure and function (SIFT, PolyPhen-2, Align-GVGD) all suggest that this variant is likely to be disruptive, but these predictions have not been confirmed by published functional studies and their clinical significance is uncertain. This variant has not been reported in the literature in individuals with AKT1-related disease. This variant is not present in population databases (ExAC no frequency). This sequence change replaces arginine with tryptophan at codon 249 of the AKT1 protein (p.Arg249Trp). The arginine residue is highly conserved and there is a moderate physicochemical difference between arginine and tryptophan.

NM_001382430.1(AKT1):c.745C>T (p.Arg249Trp)

Gene: AKT1 (AKT serine/threonine kinase 1; minus strand). Cytogenetic location: 14q32.33.
Variant type: single nucleotide variant.
Coding change: c.745C>T on transcript NM_001382430.1 (MANE Select); coding-DNA position 745, C replaced by T.
Protein change: p.Arg249Trp; replaces arginine 249 with tryptophan.
Molecular consequence: missense variant.
Genome position (GRCh38, 1-based): chr14:104,773,538, G>A on the plus strand (C>T on the coding strand, the complement: AKT1 is on the minus strand). VCF-style: chr14-104773538-G-A. GRCh37 (hg19) VCF-style: chr14-105239875-G-A.
Other names: c.745C>T, p.Arg249Trp (NM_001014431.2, NM_001014432.2, NM_001382431.1 and 3 more transcripts); short protein forms R249W.
Identifiers: ClinVar variation 662075 (VCV000662075.8), dbSNP rs1458420660, ClinGen allele CA391218431.